The following is an entry in ClinVar:

ClinVar aggregate classification (germline): Pathogenic (1 of 4 stars; one submission).

Conditions:
Breast-ovarian cancer, familial, susceptibility to, 1 (BROVCA1). Also called: BRCA1 Hereditary Breast and Ovarian Cancer; OVARIAN CANCER, SUSCEPTIBILITY TO. Identifiers: Orphanet 145, MedGen C2676676, MONDO:0011450, OMIM 604370. Disease mechanism: loss of function.

Submission:

MVZ Medizinische Genetik Mainz
Classification: Pathogenic for Breast-ovarian cancer, familial, susceptibility to, 1. Last evaluated: 2023-04-17. Review status: criteria provided, single submitter. Criteria: UK Practice Guidelines For Variant Classification V4 01 2020. Collection method: clinical testing. Allele origin: germline. Inheritance: Autosomal dominant inheritance. Affected: yes. Observed: 1 variant allele.
Comment: ACMG Criteria: PVS1,PM2_SUP_MOD

NM_007294.4(BRCA1):c.2636_2637del (p.Glu879fs)

Gene: BRCA1 (BRCA1 DNA repair associated; minus strand). Cytogenetic location: 17q21.31.
Variant type: Deletion.
Coding change: c.2636_2637del on transcript NM_007294.4 (MANE Select); coding-DNA positions 2636 to 2637, 2 bases deleted (AA; older notation c.2636_2637delAA).
Protein change: p.Glu879fs; shifts the reading frame from glutamic acid 879.
Molecular consequence: frameshift variant. On other transcripts: intron variant (137).
Genome position (GRCh38, 1-based): chr17:43,092,894-43,092,895, TT deleted on the plus strand (AA on the coding strand, the reverse complement: BRCA1 is on the minus strand). VCF-style (leftmost placement, unchanged base first): chr17-43092893-CTT-C. GRCh37 (hg19) VCF-style: chr17-41244910-CTT-C.
Other names: c.787+1849_787+1850del (NM_001407975.1, NM_001407971.1, NM_001407981.1 and 17 more transcripts); c.790+1846_790+1847del (NM_001408406.1); c.646+1849_646+1850del (NM_001408456.1, NM_001408410.1, NM_001408458.1 and 11 more transcripts); c.643+1849_643+1850del (NM_001408465.1, NM_001408463.1, NM_001408462.1 and 3 more transcripts); c.577+1849_577+1850del (NM_001408482.1, NM_001408484.1, NM_001408478.1 and 9 more transcripts); c.520+1849_520+1850del (NM_001408504.1, NM_001408503.1, NM_001408505.1); c.523+1849_523+1850del (NM_001408499.1, NM_001408498.1, NM_001408501.1 and 3 more transcripts); c.671-1863_671-1862del (NM_001408422.1, NM_001408418.1, NM_001408419.1 and 2 more transcripts); and 41 more; short protein forms E583fs, E711fs, E751fs, E752fs, E767fs, E768fs, E790fs, E791fs.
Identifiers: ClinVar variation 3234089 (VCV003234089.1), dbSNP rs2552185858, ClinGen allele CA2825002535.